The following is an entry in ClinVar:

NM_147127.5(EVC2):c.2353dup (p.Ala785fs)

Gene: EVC2 (EvC ciliary complex subunit 2; minus strand). Cytogenetic location: 4p16.2.
Variant type: Duplication.
Coding change: c.2353dup on transcript NM_147127.5 (MANE Select); coding-DNA position 2353, one base duplicated (G; older notation c.2353dupG).
Protein change: p.Ala785fs; shifts the reading frame from alanine 785.
Molecular consequence: frameshift variant.
Genome position (GRCh38, 1-based): chr4:5,622,685, C duplicated on the plus strand (G on the coding strand, the reverse complement: EVC2 is on the minus strand); the first of 2 consecutive C bases (chr4:5,622,685-5,622,686); duplicating either gives the same sequence. VCF-style (leftmost placement, unchanged base first): chr4-5622684-G-GC. GRCh37 (hg19) VCF-style: chr4-5624411-G-GC.
Other names: c.2113dup, p.Ala705fs (NM_001166136.2); short protein forms A705fs, A785fs.
Identifiers: ClinVar variation 5012141 (VCV005012141.1).

ClinVar aggregate classification (germline): Pathogenic (1 of 4 stars; one submission).

Conditions:
Ellis-van Creveld syndrome (EVC). Also called: MESOECTODERMAL DYSPLASIA; Chondroectodermal dysplasia. Identifiers: Orphanet 289, MedGen C0013903, MONDO:0009162, OMIM 225500.

Submission:

Myriad Genetics, Inc.
Classification: Pathogenic for Ellis-van Creveld syndrome. Last evaluated: 2023-09-27. Review status: criteria provided, single submitter. Criteria: Myriad Autosomal Dominant, Autosomal Recessive and X-Linked Classification Criteria (2023). Collection method: clinical testing. Allele origin: unknown.
Comment: NM_147127.4(EVC2):c.2353dupG(A785Gfs*29) is expected to be pathogenic in the context of EVC2-related Ellis-van Creveld syndrome. This variant is predicted to lead to an abnormal or absent protein product due to the creation of a premature termination codon in EVC2, a gene where loss-of-function variants are known to be pathogenic. Please note: this variant was assessed in the context of healthy population screening.